The following is an entry in ClinVar:

NM_058216.3(RAD51C):c.606T>C (p.Asp202=)

Genes: RAD51C (RAD51 paralog C; plus strand), LOC129390903 (MPRA-validated peak2919 silencer; plus strand). Cytogenetic location: 17q22.
Variant type: single nucleotide variant.
Coding change: c.606T>C on transcript NM_058216.3 (MANE Select); coding-DNA position 606, T replaced by C.
Protein change: p.Asp202=; no amino-acid change (aspartic acid 202 retained).
Molecular consequence: synonymous variant. On other transcripts: non-coding transcript variant (1).
Genome position (GRCh38, 1-based): chr17:58,703,230, T>C. VCF-style: chr17-58703230-T-C. GRCh37 (hg19) VCF-style: chr17-56780591-T-C.
Identifiers: ClinVar variation 3903558 (VCV003903558.3).

ClinVar aggregate classification (germline): Benign/Likely benign. Review status: criteria provided, multiple submitters, no conflicts (2 of 4 stars). 3 submissions from 3 submitters: Benign (1); Likely benign (2). Last evaluated 2026-04-09.

Conditions:
Hereditary cancer-predisposing syndrome. Also called: Neoplastic Syndromes, Hereditary; Tumor predisposition; Hereditary Cancer Syndrome; Hereditary neoplastic syndrome. Identifiers: Orphanet 140162, MedGen C0027672, MeSH D009386, MONDO:0015356.
Fanconi anemia complementation group O. Also called: RAD51C-Related Fanconi Anemia. Identifiers: Orphanet 84, MedGen C3150653, MONDO:0013248, OMIM 613390.
Breast-ovarian cancer, familial, susceptibility to, 3. Also called: RAD51C-Related Breast/Ovarian Cancer. Identifiers: Orphanet 145, MedGen C3150659, MONDO:0013253, OMIM 613399.

Submissions (3):

Ambry Genetics
Classification: Likely benign for Hereditary cancer-predisposing syndrome. Last evaluated: 2026-04-09. Review status: criteria provided, single submitter. Criteria: Ambry Variant Classification Scheme 2023. Collection method: clinical testing. Allele origin: germline.

Labcorp Genetics (formerly Invitae), Labcorp
Classification: Likely benign for Fanconi anemia complementation group O. Last evaluated: 2025-09-23. Review status: criteria provided, single submitter. Criteria: Invitae Variant Classification Sherloc (09022015). Collection method: clinical testing. Allele origin: germline.

Myriad Genetics, Inc.
Classification: Benign for Breast-ovarian cancer, familial, susceptibility to, 3. Last evaluated: 2025-02-18. Review status: criteria provided, single submitter. Criteria: Myriad Autosomal Dominant, Autosomal Recessive and X-Linked Classification Criteria (2023). Collection method: clinical testing. Allele origin: unknown.
Comment: This variant is considered benign. This variant is a silent/synonymous amino acid change and it is not expected to impact splicing.